The following is an entry in ClinVar:

NM_015072.5(TTLL5):c.3410A>C (p.His1137Pro)

Gene: TTLL5 (tubulin tyrosine ligase like 5; plus strand). Cytogenetic location: 14q24.3.
Variant type: single nucleotide variant.
Coding change: c.3410A>C on transcript NM_015072.5 (MANE Select); coding-DNA position 3410, A replaced by C.
Protein change: p.His1137Pro; replaces histidine 1137 with proline.
Molecular consequence: missense variant.
Genome position (GRCh38, 1-based): chr14:75,863,750, A>C. VCF-style: chr14-75863750-A-C. GRCh37 (hg19) VCF-style: chr14-76330093-A-C.
Other names: short protein forms H1137P.
Identifiers: ClinVar variation 844971 (VCV000844971.9), dbSNP rs746857132, ClinGen allele CA390539712.

ClinVar aggregate classification (germline): Uncertain significance (1 of 4 stars; one submission).

Submission:

Labcorp Genetics (formerly Invitae), Labcorp
Classification: Uncertain significance. Last evaluated: 2025-09-02. Review status: criteria provided, single submitter. Criteria: Invitae Variant Classification Sherloc (09022015). Collection method: clinical testing. Allele origin: germline.
Comment: This sequence change replaces histidine, which is basic and polar, with proline, which is neutral and non-polar, at codon 1137 of the TTLL5 protein (p.His1137Pro). This variant is not present in population databases (gnomAD no frequency). This variant has not been reported in the literature in individuals affected with TTLL5-related conditions. ClinVar contains an entry for this variant (Variation ID: 844971). An algorithm developed to predict the effect of missense changes on protein structure and function (PolyPhen-2) suggests that this variant is likely to be disruptive. In summary, the available evidence is currently insufficient to determine the role of this variant in disease. Therefore, it has been classified as a Variant of Uncertain Significance.